The following is an entry in ClinVar:

NM_170606.3(KMT2C):c.14040G>T (p.Gly4680=)

Gene: KMT2C (lysine methyltransferase 2C; minus strand). Cytogenetic location: 7q36.1.
Variant type: single nucleotide variant.
Coding change: c.14040G>T on transcript NM_170606.3 (MANE Select); coding-DNA position 14040, G replaced by T.
Protein change: p.Gly4680=; no amino-acid change (glycine 4680 retained).
Molecular consequence: synonymous variant.
Genome position (GRCh38, 1-based): chr7:152,145,287, C>A on the plus strand (G>T on the coding strand, the complement: KMT2C is on the minus strand). VCF-style: chr7-152145287-C-A. GRCh37 (hg19) VCF-style: chr7-151842372-C-A.
Identifiers: ClinVar variation 1538556 (VCV001538556.15), dbSNP rs148811550, ClinGen allele CA4578509.

ClinVar aggregate classification (germline): Likely benign. Review status: criteria provided, multiple submitters, no conflicts (2 of 4 stars). 2 submissions from 2 submitters: Likely benign (2). Last evaluated 2025-09-01.

Allele frequency attached by ClinVar (database versions not stated): ExAC 0.00007; gnomAD exomes 0.00008 and 0.00024; TOPMed 0.00017; gnomAD 0.00018 and 0.00019; ESP Exome Variant Server 0.00031.
gnomAD v4.1: 377 of 1,613,744 alleles (0.023%); highest among the groups gnomAD compares: Non-Finnish European, 0.03%; no homozygotes.

Submissions (2):

CeGaT Center for Human Genetics Tuebingen
Classification: Likely benign. Last evaluated: 2025-09-01. Review status: criteria provided, single submitter. Criteria: CeGaT Center For Human Genetics Tuebingen Variant Classification Criteria Version 2. Collection method: clinical testing. Allele origin: germline. Affected: yes. Observed: 1 variant allele.
Comment: KMT2C: BP4

Labcorp Genetics (formerly Invitae), Labcorp
Classification: Likely benign. Last evaluated: 2023-10-09. Review status: criteria provided, single submitter. Criteria: Invitae Variant Classification Sherloc (09022015). Collection method: clinical testing. Allele origin: germline.